The following is an entry in ClinVar:

NM_003036.4(SKI):c.2014G>T (p.Val672Leu)

Gene: SKI (SKI proto-oncogene; plus strand). Cytogenetic location: 1p36.32.
Variant type: single nucleotide variant.
Coding change: c.2014G>T on transcript NM_003036.4 (MANE Select); coding-DNA position 2014, G replaced by T.
Protein change: p.Val672Leu; replaces valine 672 with leucine.
Molecular consequence: missense variant.
Genome position (GRCh38, 1-based): chr1:2,306,592, G>T. VCF-style: chr1-2306592-G-T. GRCh37 (hg19) VCF-style: chr1-2238031-G-T.
Other names: short protein forms V672L.
Identifiers: ClinVar variation 2566886 (VCV002566886.2), dbSNP rs1339249855, ClinGen allele CA337959533.

ClinVar aggregate classification (germline): Uncertain significance (1 of 4 stars; one submission).

Conditions:
Familial thoracic aortic aneurysm and aortic dissection (TAAD). Also called: Thoracic aortic aneurysms and dissections. Identifiers: Orphanet 91387, MedGen C4707243, MONDO:0019625.

Submission:

Ambry Genetics
Classification: Uncertain significance for Familial thoracic aortic aneurysm and aortic dissection. Last evaluated: 2023-03-31. Review status: criteria provided, single submitter. Criteria: Ambry Variant Classification Scheme 2023. Collection method: clinical testing. Allele origin: germline.
Comment: The p.V672L variant (also known as c.2014G>T), located in coding exon 7 of the SKI gene, results from a G to T substitution at nucleotide position 2014. The valine at codon 672 is replaced by leucine, an amino acid with highly similar properties. This amino acid position is conserved. In addition, this alteration is predicted to be tolerated by in silico analysis. Since supporting evidence is limited at this time, the clinical significance of this alteration remains unclear.